The following is an entry in ClinVar:

NM_005061.3(RPL3L):c.849+5G>A

Gene: RPL3L (ribosomal protein L3 like; minus strand). Cytogenetic location: 16p13.3.
Variant type: single nucleotide variant.
Coding change: c.849+5G>A on transcript NM_005061.3 (MANE Select); 5 bases into the intron after coding-DNA position 849, G replaced by A.
Molecular consequence: intron variant.
Genome position (GRCh38, 1-based): chr16:1,946,933, C>T on the plus strand (G>A on the coding strand, the complement: RPL3L is on the minus strand). VCF-style: chr16-1946933-C-T. GRCh37 (hg19) VCF-style: chr16-1996934-C-T.
Other names: NC_000016.9:g.1996934C>T.
Identifiers: ClinVar variation 3765961 (VCV003765961.2).

ClinVar aggregate classification (germline): Uncertain significance (1 of 4 stars; one submission).

gnomAD v4.1: 511 of 1,595,788 alleles (0.032%); highest among the groups gnomAD compares: Non-Finnish European, 0.037%; no homozygotes.

Submissions (2):

GeneDx
Classification: Uncertain significance. Last evaluated: 2024-08-28. Review status: criteria provided, single submitter. Criteria: GeneDx Variant Classification Process June 2021. Collection method: clinical testing. Allele origin: germline. Affected: yes.
Comment: In silico analysis supports a deleterious effect on splicing; Has not been previously published as pathogenic or benign to our knowledge

Dr. Peter K. Rogan Lab, Western University
No classification provided (evidence only). Condition: Familial cancer of breast. Review status: no classification provided. Collection method: in vitro. Allele origin: not applicable. Functional consequence: skipped exon, retained intron. Not counted in ClinVar's aggregate classification.